The following is an entry in ClinVar:

NM_177398.4(LMX1A):c.339T>C (p.Ser113=)

Gene: LMX1A (LIM homeobox transcription factor 1 alpha; minus strand). Cytogenetic location: 1q23.3.
Variant type: single nucleotide variant.
Coding change: c.339T>C on transcript NM_177398.4 (MANE Select); coding-DNA position 339, T replaced by C.
Protein change: p.Ser113=; no amino-acid change (serine 113 retained).
Molecular consequence: synonymous variant.
Genome position (GRCh38, 1-based): chr1:165,249,565, A>G on the plus strand (T>C on the coding strand, the complement: LMX1A is on the minus strand). VCF-style: chr1-165249565-A-G. GRCh37 (hg19) VCF-style: chr1-165218802-A-G.
Other names: c.339T>C, p.Ser113= (NM_001174069.2).
Identifiers: ClinVar variation 3039010 (VCV003039010.9), dbSNP rs35943978, ClinGen allele CA1219811.

ClinVar aggregate classification (germline): Likely benign. Review status: criteria provided, single submitter (1 of 4 stars). 2 submissions from 2 submitters: Likely benign (1). 1 of the submissions does not count toward it. Last evaluated 2025-09-01.

Conditions:
LMX1A-related disorder. Also called: LMX1A-related condition.

Allele frequency attached by ClinVar (database versions not stated): ExAC 0.00133; 1000 Genomes Project 0.00280; 1000 Genomes Project 30x 0.00312; gnomAD 0.00374; ESP Exome Variant Server 0.00392.
gnomAD v4.1: 1,024 of 1,613,850 alleles (0.063%); highest among the groups gnomAD compares: African/African-American, 1.2%; 9 homozygotes.

Submissions (2):

CeGaT Center for Human Genetics Tuebingen
Classification: Likely benign. Last evaluated: 2025-09-01. Review status: criteria provided, single submitter. Criteria: CeGaT Center For Human Genetics Tuebingen Variant Classification Criteria Version 2. Collection method: clinical testing. Allele origin: germline. Affected: yes. Observed: 1 variant allele.
Comment: LMX1A: BP4, BP7, BS1

PreventionGenetics, part of Exact Sciences
Classification: Benign for LMX1A-related condition. Last evaluated: 2019-08-07. Review status: no assertion criteria provided. Collection method: clinical testing. Allele origin: germline. Not counted in ClinVar's aggregate classification.
Comment: This variant is classified as benign based on ACMG/AMP sequence variant interpretation guidelines (Richards et al. 2015 PMID: 25741868, with internal and published modifications).